The following is an entry in ClinVar:

NM_001385012.1(NBEA):c.5332G>A (p.Ala1778Thr)

Gene: NBEA (neurobeachin; plus strand). Cytogenetic location: 13q13.3.
Variant type: single nucleotide variant.
Coding change: c.5332G>A on transcript NM_001385012.1 (MANE Select); coding-DNA position 5332, G replaced by A.
Protein change: p.Ala1778Thr; replaces alanine 1778 with threonine.
Molecular consequence: missense variant.
Genome position (GRCh38, 1-based): chr13:35,196,268, G>A. VCF-style: chr13-35196268-G-A. GRCh37 (hg19) VCF-style: chr13-35770405-G-A.
Other names: c.5323G>A, p.Ala1775Thr (NM_001379245.1); c.5332G>A, p.Ala1778Thr (NM_015678.5); short protein forms A1778T, A1775T.
Identifiers: ClinVar variation 790674 (VCV000790674.6), dbSNP rs201533310, ClinGen allele CA6947066.

ClinVar aggregate classification (germline): Benign. Review status: criteria provided, multiple submitters, no conflicts (2 of 4 stars). 3 submissions from 3 submitters: Benign (2). 1 of the submissions does not count toward it. Last evaluated 2018-06-13.

Conditions:
NBEA-related disorder. Also called: NBEA-related condition.

Allele frequency attached by ClinVar (database versions not stated): gnomAD exomes 0.00048 and 0.00124; ExAC 0.00145; gnomAD 0.00535 and 0.00576; 1000 Genomes Project 0.00559; TOPMed 0.00575; 1000 Genomes Project 30x 0.00656.
gnomAD v4.1: 1,531 of 1,613,356 alleles (0.095%); highest among the groups gnomAD compares: African/African-American, 1.8%; 16 homozygotes.

Submissions (3):

Labcorp Genetics (formerly Invitae), Labcorp
Classification: Benign. Last evaluated: 2018-06-13. Review status: criteria provided, single submitter. Criteria: Invitae Variant Classification Sherloc (09022015). Collection method: clinical testing. Allele origin: germline.

Breakthrough Genomics
Classification: Benign. Review status: criteria provided, single submitter. Criteria: ACMG Guidelines, 2015. Collection method: not provided. Allele origin: germline. Inheritance: Autosomal dominant inheritance. Affected: yes.

PreventionGenetics, part of Exact Sciences
Classification: Benign for NBEA-related condition. Last evaluated: 2019-03-20. Review status: no assertion criteria provided. Collection method: clinical testing. Allele origin: germline. Not counted in ClinVar's aggregate classification.
Comment: This variant is classified as benign based on ACMG/AMP sequence variant interpretation guidelines (Richards et al. 2015 PMID: 25741868, with internal and published modifications).